The following is an entry in ClinVar:

NM_021971.4(GMPPB):c.862C>T (p.Arg288Trp)

Gene: GMPPB (GDP-mannose pyrophosphorylase B; minus strand). Cytogenetic location: 3p21.31.
Variant type: single nucleotide variant.
Coding change: c.862C>T on transcript NM_021971.4 (MANE Select); coding-DNA position 862, C replaced by T.
Protein change: p.Arg288Trp; replaces arginine 288 with tryptophan.
Molecular consequence: missense variant.
Genome position (GRCh38, 1-based): chr3:49,722,054, G>A on the plus strand (C>T on the coding strand, the complement: GMPPB is on the minus strand). VCF-style: chr3-49722054-G-A. GRCh37 (hg19) VCF-style: chr3-49759487-G-A.
Other names: c.862C>T, p.Arg288Trp (NM_013334.4); c.862C>T (NM_013334.3); short protein forms R288W.
Identifiers: ClinVar variation 1920781 (VCV001920781.8), dbSNP rs1230808770, ClinGen allele CA352827258.

ClinVar aggregate classification (germline): Conflicting classifications of pathogenicity. Review status: criteria provided, conflicting classifications (1 of 4 stars). 2 submissions from 2 submitters: Likely pathogenic (1); Uncertain significance (1). Last evaluated 2024-01-19.

Conditions:
Muscular dystrophy-dystroglycanopathy (congenital with impaired intellectual development), type B, 14. Also called: Muscular dystrophy-dystroglycanopathy (congenital with intellectual disability), type B14; Congenital muscular dystrophy-dystroglycanopathy with mental retardation, type B14; MUSCULAR DYSTROPHY, CONGENITAL, GMPPB-RELATED. Identifiers: MedGen C3809221, MONDO:0014141, OMIM 615351.
Muscular dystrophy-dystroglycanopathy (congenital with brain and eye anomalies), type A14. Also called: Congenital Muscular Dystrophy-Dystroglycanopathy with Brain and Eye Anomalies Type A 14; Congenital muscular dystrophy-dystroglycanopathy with brain and eye anomalies, type A14; Muscular dystrophy-dystroglycanopathy (congenital with brain and eye anomalies), type a, 14; WALKER-WARBURG SYNDROME OR MUSCLE-EYE-BRAIN DISEASE, GMPPB-RELATED. Identifiers: Orphanet 588, MedGen C3809216, MONDO:0014140, OMIM 615350.
Autosomal recessive limb-girdle muscular dystrophy type 2T. Also called: Limb-girdle muscular dystrophy-dystroglycanopathy, type C14; Muscular dystrophy-dystroglycanopathy (limb-girdle), type c, 14; MUSCULAR DYSTROPHY-DYSTROGLYCANOPATHY, LIMB-GIRDLE, GMPPB-RELATED; MUSCULAR DYSTROPHY, LIMB-GIRDLE, TYPE 2T. Identifiers: Orphanet 363623, MedGen C4518000, MONDO:0014142, OMIM 615352.

Allele frequency attached by ClinVar (database versions not stated): TOPMed below 0.00001; gnomAD exomes 0.00001.
gnomAD v4.1: 7 of 1,613,044 alleles (0.00043%); highest among the groups gnomAD compares: South Asian, 0.0033%; no homozygotes.

Submissions (2):

Labcorp Genetics (formerly Invitae), Labcorp
Classification: Likely pathogenic for Autosomal recessive limb-girdle muscular dystrophy type 2T; Muscular dystrophy-dystroglycanopathy (congenital with brain and eye anomalies), type A14; Muscular dystrophy-dystroglycanopathy (congenital with impaired intellectual development), type B, 14. Last evaluated: 2024-01-19. Review status: criteria provided, single submitter. Criteria: Invitae Variant Classification Sherloc (09022015). Collection method: clinical testing. Allele origin: germline.
Comment: This sequence change replaces arginine, which is basic and polar, with tryptophan, which is neutral and slightly polar, at codon 288 of the GMPPB protein (p.Arg288Trp). This variant is present in population databases (no rsID available, gnomAD 0.003%). This missense change has been observed in individual(s) with clinical features of muscular dystrophy-dystroglycanopathy (Invitae). ClinVar contains an entry for this variant (Variation ID: 1920781). Advanced modeling of protein sequence and biophysical properties (such as structural, functional, and spatial information, amino acid conservation, physicochemical variation, residue mobility, and thermodynamic stability) performed at Invitae indicates that this missense variant is expected to disrupt GMPPB protein function with a positive predictive value of 80%. This variant disrupts the p.Arg288 amino acid residue in GMPPB. Other variant(s) that disrupt this residue have been observed in individuals with GMPPB-related conditions (PMID: 30257713), which suggests that this may be a clinically significant amino acid residue. In summary, the currently available evidence indicates that the variant is pathogenic, but additional data are needed to prove that conclusively. Therefore, this variant has been classified as Likely Pathogenic.

Revvity Omics, Revvity
Classification: Uncertain significance. Last evaluated: 2021-08-05. Review status: criteria provided, single submitter. Criteria: ACMG Guidelines, 2015. Collection method: clinical testing. Allele origin: germline.

Literature cited by the submitters: PubMed 30257713 (cited by Labcorp Genetics (formerly Invitae), Labcorp).